The following is an entry in ClinVar:

NM_001144758.3(PHLDB1):c.4041G>C (p.Leu1347=)

Gene: PHLDB1 (pleckstrin homology like domain family B member 1; plus strand). Cytogenetic location: 11q23.3.
Variant type: single nucleotide variant.
Coding change: c.4041G>C on transcript NM_001144758.3 (MANE Select); coding-DNA position 4041, G replaced by C.
Protein change: p.Leu1347=; no amino-acid change (leucine 1347 retained).
Molecular consequence: synonymous variant.
Genome position (GRCh38, 1-based): chr11:118,656,730, G>C. VCF-style: chr11-118656730-G-C. GRCh37 (hg19) VCF-style: chr11-118527440-G-C.
Other names: c.3867G>C, p.Leu1289= (NM_001144759.3); c.4041G>C, p.Leu1347= (NM_015157.4).
Identifiers: ClinVar variation 3777961 (VCV003777961.7).

ClinVar aggregate classification (germline): Likely benign (1 of 4 stars; one submission).

gnomAD v4.1: 1,350 of 1,613,890 alleles (0.084%); highest among the groups gnomAD compares: Non-Finnish European, 0.11%; 1 homozygote.

Submission:

CeGaT Center for Human Genetics Tuebingen
Classification: Likely benign. Last evaluated: 2025-03-01. Review status: criteria provided, single submitter. Criteria: CeGaT Center For Human Genetics Tuebingen Variant Classification Criteria Version 2. Collection method: clinical testing. Allele origin: germline. Affected: yes. Observed: 1 variant allele.
Comment: PHLDB1: BP4, BP7